The following is an entry in ClinVar:

ClinVar aggregate classification (germline): Uncertain significance (1 of 4 stars; one submission).

Allele frequency attached by ClinVar (database versions not stated): gnomAD exomes below 0.00001.
gnomAD v4.1: 1 of 1,613,886 alleles (0.000062%); highest among the groups gnomAD compares: Non-Finnish European, 0.000085%; no homozygotes.

Submission:

Ambry Genetics
Classification: Uncertain significance. Last evaluated: 2023-03-18. Review status: criteria provided, single submitter. Criteria: Ambry Variant Classification Scheme 2023. Collection method: clinical testing. Allele origin: germline.
Comment: The p.R5S variant (also known as c.13C>A), located in coding exon 1 of the POLQ gene, results from a C to A substitution at nucleotide position 13. The arginine at codon 5 is replaced by serine, an amino acid with dissimilar properties. This amino acid position is conserved. In addition, this alteration is predicted to be tolerated by in silico analysis. Since supporting evidence is limited at this time, the clinical significance of this alteration remains unclear.

NM_199420.4(POLQ):c.13C>A (p.Arg5Ser)

Genes: POLQ (DNA polymerase theta; minus strand), LOC112872292 (Sharpr-MPRA regulatory region 30; plus strand). Cytogenetic location: 3q13.33.
Variant type: single nucleotide variant.
Coding change: c.13C>A on transcript NM_199420.4 (MANE Select); coding-DNA position 13, C replaced by A.
Protein change: p.Arg5Ser; replaces arginine 5 with serine.
Molecular consequence: missense variant.
Genome position (GRCh38, 1-based): chr3:121,545,865, G>T on the plus strand (C>A on the coding strand, the complement: POLQ is on the minus strand). VCF-style: chr3-121545865-G-T. GRCh37 (hg19) VCF-style: chr3-121264712-G-T.
Other names: short protein forms R5S.
Identifiers: ClinVar variation 2563762 (VCV002563762.2), dbSNP rs1222430604, ClinGen allele CA354097996.